The following is an entry in ClinVar:

NM_007294.4(BRCA1):c.3289del (p.Ser1097fs)

Genes: BRCA1 (BRCA1 DNA repair associated; minus strand), LOC126862571 (BRD4-independent group 4 enhancer GRCh37_chr17:41243136-41244335; plus strand). Cytogenetic location: 17q21.31.
Variant type: Deletion.
Coding change: c.3289del on transcript NM_007294.4 (MANE Select); coding-DNA position 3289, one base deleted (A; older notation c.3289delA).
Protein change: p.Ser1097fs; shifts the reading frame from serine 1097.
Molecular consequence: frameshift variant. On other transcripts: intron variant (137).
Genome position (GRCh38, 1-based): chr17:43,092,242, T deleted on the plus strand (A on the coding strand, the reverse complement: BRCA1 is on the minus strand); the first of 3 consecutive T bases (chr17:43,092,242-43,092,244); deleting any one gives the same sequence. VCF-style (leftmost placement, unchanged base first): chr17-43092241-CT-C. GRCh37 (hg19) VCF-style: chr17-41244258-CT-C.
Other names: c.3289delA (NM_007294.3); c.3163del, p.Ser1055fs (NM_001407672.1, NM_001407673.1, NM_001407685.1 and 11 more transcripts); c.3166del, p.Ser1056fs (NM_001407674.1, NM_001407675.1, NM_001407676.1 and 19 more transcripts); c.3289del, p.Ser1097fs (NM_001407684.1, NM_001407854.1, NM_001407858.1 and 30 more transcripts); c.3148del, p.Ser1050fs (NM_001407692.1, NM_001407694.1, NM_001407695.1 and 29 more transcripts); c.3145del, p.Ser1049fs (NM_001407740.1, NM_001407741.1, NM_001407742.1 and 20 more transcripts); c.3076del, p.Ser1026fs (NM_001407853.1, NM_001407894.1, NM_001407895.1 and 9 more transcripts); c.3286del, p.Ser1096fs (NM_001407860.1, NM_001407861.1, NM_001407587.1 and 22 more transcripts); and 42 more; short protein forms S1097fs, S1050fs, S1026fs, S1030fs, S1096fs, S929fs, S1029fs, S1071fs.
Identifiers: ClinVar variation 54822 (VCV000054822.3), dbSNP rs80357686, ClinGen allele CA002123.

ClinVar aggregate classification (germline): Pathogenic. Review status: reviewed by expert panel (3 of 4 stars). 2 submissions from 2 submitters: Pathogenic (1). 1 of the submissions does not count toward it. Last evaluated 2017-12-15.

Conditions:
Breast-ovarian cancer, familial, susceptibility to, 1 (BROVCA1). Also called: OVARIAN CANCER, SUSCEPTIBILITY TO; BRCA1 Hereditary Breast and Ovarian Cancer. Identifiers: Orphanet 145, MedGen C2676676, MONDO:0011450, OMIM 604370. Disease mechanism: loss of function.
Familial cancer of breast. Also called: Hereditary breast cancer; hereditary breast carcinoma; BREAST CANCER, FAMILIAL. Identifiers: Orphanet 227535, MedGen C0346153, MONDO:0016419, OMIM 114480. Disease mechanism: loss of function.

Submissions (2):

Evidence-based Network for the Interpretation of Germline Mutant Alleles (ENIGMA)
Classification: Pathogenic for Breast-ovarian cancer, familial, susceptibility to, 1. Last evaluated: 2017-12-15. Review status: reviewed by expert panel. Criteria: ENIGMA BRCA1/2 Classification Criteria (2017-06-29). Collection method: curation. Allele origin: germline. Study: ENIGMA.
Comment: Variant allele predicted to encode a truncated non-functional protein.

ClinVar Staff, National Center for Biotechnology Information (NCBI)
No classification provided. Condition: Familial cancer of breast. Review status: no classification provided. Collection method: literature only. Allele origin: germline. Affected: yes. Not counted in ClinVar's aggregate classification.

Literature cited by the submitters: PubMed 15340362 (cited by ClinVar Staff, National Center for Biotechnology Information (NCBI)).